The following is an entry in ClinVar:

NM_006361.6(HOXB13):c.698G>C (p.Arg233Pro)

Gene: HOXB13 (homeobox B13; minus strand). Cytogenetic location: 17q21.32.
Variant type: single nucleotide variant.
Coding change: c.698G>C on transcript NM_006361.6 (MANE Select); coding-DNA position 698, G replaced by C.
Protein change: p.Arg233Pro; replaces arginine 233 with proline.
Molecular consequence: missense variant.
Genome position (GRCh38, 1-based): chr17:48,726,947, C>G on the plus strand (G>C on the coding strand, the complement: HOXB13 is on the minus strand). VCF-style: chr17-48726947-C-G. GRCh37 (hg19) VCF-style: chr17-46804309-C-G.
Other names: short protein forms R233P.
Identifiers: ClinVar variation 3665864 (VCV003665864.2).

ClinVar aggregate classification (germline): Uncertain significance (1 of 4 stars; one submission).

Submission:

Labcorp Genetics (formerly Invitae), Labcorp
Classification: Uncertain significance. Last evaluated: 2025-01-30. Review status: criteria provided, single submitter. Criteria: Invitae Variant Classification Sherloc (09022015). Collection method: clinical testing. Allele origin: germline.
Comment: This sequence change replaces arginine, which is basic and polar, with proline, which is neutral and non-polar, at codon 233 of the HOXB13 protein (p.Arg233Pro). This variant is not present in population databases (gnomAD no frequency). This variant has not been reported in the literature in individuals affected with HOXB13-related conditions. Invitae Evidence Modeling of protein sequence and biophysical properties (such as structural, functional, and spatial information, amino acid conservation, physicochemical variation, residue mobility, and thermodynamic stability) has been performed for this missense variant. However, the output from this modeling did not meet the statistical confidence thresholds required to predict the impact of this variant on HOXB13 protein function. In summary, the available evidence is currently insufficient to determine the role of this variant in disease. Therefore, it has been classified as a Variant of Uncertain Significance.